The following is an entry in ClinVar:

ClinVar aggregate classification (germline): Uncertain significance. Review status: criteria provided, multiple submitters, no conflicts (2 of 4 stars). 4 submissions from 4 submitters: Uncertain significance (4). Last evaluated 2026-07-06.

Conditions:
Familial cancer of breast. Also called: Hereditary breast cancer; BREAST CANCER, FAMILIAL; hereditary breast carcinoma. Identifiers: Orphanet 227535, MedGen C0346153, MONDO:0016419, OMIM 114480. Disease mechanism: loss of function.
Hereditary cancer-predisposing syndrome. Also called: Neoplastic Syndromes, Hereditary; Hereditary Cancer Syndrome; Tumor predisposition; Hereditary neoplastic syndrome. Identifiers: Orphanet 140162, MedGen C0027672, MeSH D009386, MONDO:0015356.

Allele frequency attached by ClinVar (database versions not stated): gnomAD exomes below 0.00001.
gnomAD v4.1: 1 of 1,614,046 alleles (0.000062%); highest among the groups gnomAD compares: Non-Finnish European, 0.000085%; no homozygotes.

Submissions (4):

Ambry Genetics
Classification: Uncertain significance for Hereditary cancer-predisposing syndrome. Last evaluated: 2026-07-06. Review status: criteria provided, single submitter. Criteria: Ambry Variant Classification Scheme 2023. Collection method: clinical testing. Allele origin: germline.
Comment: The p.A485V variant (also known as c.1454C>T), located in coding exon 6 of the BARD1 gene, results from a C to T substitution at nucleotide position 1454. The alanine at codon 485 is replaced by valine, an amino acid with similar properties. This amino acid position is highly conserved in available vertebrate species. In addition, this alteration is predicted to be deleterious by in silico analysis. Based on the available evidence, the clinical significance of this variant remains unclear.

Labcorp Genetics (formerly Invitae), Labcorp
Classification: Uncertain significance for Familial cancer of breast. Last evaluated: 2025-09-11. Review status: criteria provided, single submitter. Criteria: Invitae Variant Classification Sherloc (09022015). Collection method: clinical testing. Allele origin: germline.
Comment: This sequence change replaces alanine, which is neutral and non-polar, with valine, which is neutral and non-polar, at codon 485 of the BARD1 protein (p.Ala485Val). This variant is not present in population databases (gnomAD no frequency). This missense change has been observed in individual(s) with BARD1-related conditions (PMID: 26898890). ClinVar contains an entry for this variant (Variation ID: 919708). An algorithm developed to predict the effect of missense changes on protein structure and function (PolyPhen-2) suggests that this variant is likely to be disruptive. In summary, the available evidence is currently insufficient to determine the role of this variant in disease. Therefore, it has been classified as a Variant of Uncertain Significance.

GeneDx
Classification: Uncertain significance. Last evaluated: 2024-12-08. Review status: criteria provided, single submitter. Criteria: GeneDx Variant Classification Process June 2021. Collection method: clinical testing. Allele origin: germline. Affected: yes.
Comment: Not observed at significant frequency in large population cohorts (gnomAD); In silico analysis supports that this missense variant has a deleterious effect on protein structure/function; This variant is associated with the following publications: (PMID: 18480049, 34326862, 26898890)

Color Diagnostics, LLC DBA Color Health
Classification: Uncertain significance for Hereditary cancer-predisposing syndrome. Last evaluated: 2020-01-03. Review status: criteria provided, single submitter. Criteria: ACMG Guidelines, 2015. Collection method: clinical testing. Allele origin: germline.
Comment: This missense variant replaces alanine with valine at codon 485 of the BARD1 protein. Computational prediction suggests that this variant may have deleterious impact on protein structure and function (internally defined REVEL score threshold >= 0.7, PMID: 27666373). Splice site prediction tools suggest that this variant may impact RNA splicing. To our knowledge, functional studies have not been performed for this variant. This variant has not been reported in individuals affected with hereditary cancer in the literature, but has been observed in individuals undergoing hereditary cancer testing (PMID 26898890). This variant has not been identified in the general population by the Genome Aggregation Database (gnomAD). The available evidence is insufficient to determine the role of this variant in disease conclusively. Therefore, this variant is classified as a Variant of Uncertain Significance.

Literature cited by the submitters: PubMed 26898890 (cited by Labcorp Genetics (formerly Invitae), Labcorp).

NM_000465.4(BARD1):c.1454C>T (p.Ala485Val)

Gene: BARD1 (BRCA1 associated RING domain 1; minus strand). Cytogenetic location: 2q35.
Variant type: single nucleotide variant.
Coding change: c.1454C>T on transcript NM_000465.4 (MANE Select); coding-DNA position 1454, C replaced by T.
Protein change: p.Ala485Val; replaces alanine 485 with valine.
Molecular consequence: missense variant. On other transcripts: non-coding transcript variant (3), intron variant (3).
Genome position (GRCh38, 1-based): chr2:214,767,596, G>A on the plus strand (C>T on the coding strand, the complement: BARD1 is on the minus strand). VCF-style: chr2-214767596-G-A. GRCh37 (hg19) VCF-style: chr2-215632320-G-A.
Other names: c.1397C>T, p.Ala466Val (NM_001282543.2); c.159-15041C>T (NM_001282548.2); c.216-15041C>T (NM_001282545.2); c.364+24701C>T (NM_001282549.2); c.1454C>T (NM_000465.2); short protein forms A466V, A485V.
Identifiers: ClinVar variation 919708 (VCV000919708.8), dbSNP rs866261211, ClinGen allele CA64780036.